The following is an entry in ClinVar:

ClinVar aggregate classification (germline): Likely benign. Review status: criteria provided, multiple submitters, no conflicts (2 of 4 stars). 2 submissions from 2 submitters: Likely benign (2). Last evaluated 2024-03-02.

Allele frequency attached by ClinVar (database versions not stated): gnomAD exomes below 0.00001; ExAC 0.00001.
gnomAD v4.1: 5 of 1,614,152 alleles (0.00031%); highest among the groups gnomAD compares: Middle Eastern, 0.066%; no homozygotes.

Submissions (2):

Labcorp Genetics (formerly Invitae), Labcorp
Classification: Likely benign. Last evaluated: 2024-03-02. Review status: criteria provided, single submitter. Criteria: Invitae Variant Classification Sherloc (09022015). Collection method: clinical testing. Allele origin: germline.

CeGaT Center for Human Genetics Tuebingen
Classification: Likely benign. Last evaluated: 2022-12-01. Review status: criteria provided, single submitter. Criteria: CeGaT Center For Human Genetics Tuebingen Variant Classification Criteria Version 2. Collection method: clinical testing. Allele origin: germline. Affected: yes. Observed: 1 variant allele.
Comment: OTOF: BP4, BP7

NM_194248.3(OTOF):c.5487C>T (p.Thr1829=)

Gene: OTOF (otoferlin; minus strand). Cytogenetic location: 2p23.3.
Variant type: single nucleotide variant.
Coding change: c.5487C>T on transcript NM_194248.3 (MANE Select); coding-DNA position 5487, C replaced by T.
Protein change: p.Thr1829=; no amino-acid change (threonine 1829 retained).
Molecular consequence: synonymous variant.
Genome position (GRCh38, 1-based): chr2:26,461,742, G>A on the plus strand (C>T on the coding strand, the complement: OTOF is on the minus strand). VCF-style: chr2-26461742-G-A. GRCh37 (hg19) VCF-style: chr2-26684610-G-A.
Other names: c.5487C>T, p.Thr1829= (NM_001287489.2); c.3186C>T, p.Thr1062= (NM_004802.4, NM_194323.3); c.3417C>T, p.Thr1139= (NM_194322.3).
Identifiers: ClinVar variation 2650748 (VCV002650748.27), dbSNP rs775318270, ClinGen allele CA1562807.